The following is an entry in ClinVar:

NM_024334.3(TMEM43):c.512+1G>A

Gene: TMEM43 (transmembrane protein 43; plus strand). Cytogenetic location: 3p25.1.
Variant type: single nucleotide variant.
Coding change: c.512+1G>A on transcript NM_024334.3 (MANE Select); the canonical splice donor site of the intron after coding-DNA position 512, G replaced by A.
Molecular consequence: splice donor variant.
Genome position (GRCh38, 1-based): chr3:14,132,936, G>A. VCF-style: chr3-14132936-G-A. GRCh37 (hg19) VCF-style: chr3-14174436-G-A.
Other names: c.515+1G>A (NM_001407274.1); c.512+1G>A (NM_001407276.1, NM_001407275.1, NM_001407277.1 and 1 more transcripts); c.497+1G>A (NM_001407278.1); c.362+1G>A (NM_001407280.1).
Identifiers: ClinVar variation 4076432 (VCV004076432.1).
Genomic context (GRCh38, chr3:14,132,936, plus strand): 5'-GAGGTCAGAAATCATCAACAGCAAAAACTTCGACCGAGAGATTGGCCACAAAAACCCCAG[G>A]TGAGAGCCAGGCCCAAGGCCTGAGTGCAGCTTTGTCTACACTGGCAGGTCTCCAGCCTCA-3'

ClinVar aggregate classification (germline): Uncertain significance (1 of 4 stars; one submission).

Conditions:
Cardiovascular phenotype. Identifiers: MedGen CN230736.

Submission:

Molecular Diagnostic Laboratory for Inherited Cardiovascular Disease, Montreal Heart Institute
Classification: Uncertain significance for Cardiovascular phenotype. Last evaluated: 2025-07-24. Review status: criteria provided, single submitter. Criteria: ACMG Guidelines, 2015. Collection method: clinical testing. Allele origin: germline. Affected: yes.
Comment: PVS1_mod, PM2, BP5